The following is an entry in ClinVar:

NM_030662.4(MAP2K2):c.946A>G (p.Met316Val)

Gene: MAP2K2 (mitogen-activated protein kinase kinase 2; minus strand). Cytogenetic location: 19p13.3.
Variant type: single nucleotide variant.
Coding change: c.946A>G on transcript NM_030662.4 (MANE Select); coding-DNA position 946, A replaced by G.
Protein change: p.Met316Val; replaces methionine 316 with valine.
Molecular consequence: missense variant.
Genome position (GRCh38, 1-based): chr19:4,097,317, T>C on the plus strand (A>G on the coding strand, the complement: MAP2K2 is on the minus strand). VCF-style: chr19-4097317-T-C. GRCh37 (hg19) VCF-style: chr19-4097315-T-C.
Other names: short protein forms M316V.
Identifiers: ClinVar variation 2964957 (VCV002964957.6), dbSNP rs1324253510, ClinGen allele CA403384042.
Genomic context (GRCh38, chr19:4,097,317, plus strand): 5'-CCAAAAGGCATCAAGCACAAACCTCGTTCACAATATAGTCCAGGAGTTCAAAGATGGCCA[T>C]GGCAGGCCGGCTATCCATCCCGTGACCTGCACAGGGAGAGAGATGGAGGTGAGATGGGCC-3'
Protein context (NP_109587.1, residues 306-326): SGHGMDSRPA[Met316Val]AIFELLDYIV

ClinVar aggregate classification (germline): Uncertain significance. Review status: criteria provided, multiple submitters, no conflicts (2 of 4 stars). 4 submissions from 4 submitters: Uncertain significance (4). Last evaluated 2026-09-14.

Conditions:
Cardiofaciocutaneous syndrome 4 (CFC4). Also called: MAP2K2-Related Cardiofaciocutaneous Syndrome. Identifiers: Orphanet 1340, MedGen C3809007, MONDO:0014114, OMIM 615280.
Cardiovascular phenotype. Identifiers: MedGen CN230736.
RASopathy. Also called: rasopathies; Noonan spectrum disorder. Identifiers: Orphanet 536391, MedGen C5555857, MONDO:0021060.

Allele frequency attached by ClinVar (database versions not stated): gnomAD exomes below 0.00001.
gnomAD v4.1: 2 of 1,611,818 alleles (0.00012%); highest among the groups gnomAD compares: Non-Finnish European, 0.00017%; no homozygotes.

Submissions (4):

Ambry Genetics
Classification: Uncertain significance for Cardiovascular phenotype. Last evaluated: 2026-09-14. Review status: criteria provided, single submitter. Criteria: Ambry Variant Classification Scheme 2023. Collection method: clinical testing. Allele origin: germline.
Comment: The p.M316V variant (also known as c.946A>G), located in coding exon 8 of the MAP2K2 gene, results from an A to G substitution at nucleotide position 946. The methionine at codon 316 is replaced by valine, an amino acid with highly similar properties. This amino acid position is conserved. In addition, the in silico prediction for this alteration is inconclusive. Based on the available evidence, the clinical significance of this variant remains unclear.

Fulgent Genetics
Classification: Uncertain significance for Cardiofaciocutaneous syndrome 4. Last evaluated: 2024-02-19. Review status: criteria provided, single submitter. Criteria: ACMG Guidelines, 2015. Collection method: clinical testing. Allele origin: germline.

Labcorp Genetics (formerly Invitae), Labcorp
Classification: Uncertain significance for RASopathy. Last evaluated: 2023-01-21. Review status: criteria provided, single submitter. Criteria: Invitae Variant Classification Sherloc (09022015). Collection method: clinical testing. Allele origin: germline.
Comment: In summary, the available evidence is currently insufficient to determine the role of this variant in disease. Therefore, it has been classified as a Variant of Uncertain Significance. Advanced modeling of protein sequence and biophysical properties (such as structural, functional, and spatial information, amino acid conservation, physicochemical variation, residue mobility, and thermodynamic stability) has been performed at Invitae for this missense variant, however the output from this modeling did not meet the statistical confidence thresholds required to predict the impact of this variant on MAP2K2 protein function. This variant has not been reported in the literature in individuals affected with MAP2K2-related conditions. This variant is present in population databases (no rsID available, gnomAD 0.0009%). This sequence change replaces methionine, which is neutral and non-polar, with valine, which is neutral and non-polar, at codon 316 of the MAP2K2 protein (p.Met316Val).

Blueprint Genetics
Classification: Uncertain significance. Last evaluated: 2019-12-30. Review status: criteria provided, single submitter. Criteria: ACMG Guidelines, 2015. Collection method: clinical testing. Allele origin: germline.